The following is an entry in ClinVar:

NM_025137.4(SPG11):c.3320_3321del (p.Cys1107fs)

Gene: SPG11 (SPG11 vesicle trafficking associated, spatacsin; minus strand). Cytogenetic location: 15q21.1.
Variant type: Deletion.
Coding change: c.3320_3321del on transcript NM_025137.4 (MANE Select); coding-DNA positions 3320 to 3321, 2 bases deleted (GT; older notation c.3320_3321delGT).
Protein change: p.Cys1107fs; shifts the reading frame from cysteine 1107.
Molecular consequence: frameshift variant.
Genome position (GRCh38, 1-based): chr15:44,608,576-44,608,577, AC deleted on the plus strand (GT on the coding strand, the reverse complement: SPG11 is on the minus strand); deleting any 2 consecutive bases within chr15:44,608,576-44,608,578 gives the same sequence; the c. name uses the placement nearest the transcript's 3' end. VCF-style (leftmost placement, unchanged base first): chr15-44608575-AAC-A. GRCh37 (hg19) VCF-style: chr15-44900773-AAC-A.
Other names: c.3320_3321del, p.Cys1107fs (NM_001160227.2); short protein forms C1107fs.
Identifiers: ClinVar variation 448465 (VCV000448465.3), dbSNP rs1366914385, ClinGen allele CA618006210.
Genomic context (GRCh38, chr15:44,608,575, plus strand): 5'-TTTTTAGCTTGGGGTAAGGAGTTAATGCCATCTTCAATAGCTGGGGATCCACTTTCTTCA[AAC>A]AGTTTTCATTTTCTTCATTCTGAACAACCTAAGTAAAAAAACAGATAACAGGTTGGACAG-3'

ClinVar aggregate classification (germline): Pathogenic. Review status: criteria provided, multiple submitters, no conflicts (2 of 4 stars). 2 submissions from 2 submitters: Pathogenic (2). Last evaluated 2024-05-16.

Conditions:
Hereditary spastic paraplegia 11. Also called: Spastic Paraplegia 11; Spastic paraplegia, mental retardation and thin corpus callosum; SPASTIC PARAPLEGIA, AUTOSOMAL RECESSIVE, COMPLICATED, WITH THIN CORPUS CALLOSUM; SPASTIC PARAPLEGIA, AUTOSOMAL RECESSIVE, WITH MENTAL IMPAIRMENT AND THIN CORPUS CALLOSUM; Nakamura Osame syndrome; Autosomal recessive hereditary spastic paraplegia, mental impairment, and thin corpus callosum. Identifiers: Orphanet 2822, MedGen C1858479, MONDO:0011445, OMIM 604360.

Submissions (2):

Labcorp Genetics (formerly Invitae), Labcorp
Classification: Pathogenic for Hereditary spastic paraplegia 11. Last evaluated: 2024-05-16. Review status: criteria provided, single submitter. Criteria: Invitae Variant Classification Sherloc (09022015). Collection method: clinical testing. Allele origin: germline.
Comment: This sequence change creates a premature translational stop signal (p.Cys1107Phefs*31) in the SPG11 gene. It is expected to result in an absent or disrupted protein product. Loss-of-function variants in SPG11 are known to be pathogenic (PMID: 19105190, 20110243, 22154821, 26556829). This variant is present in population databases (no rsID available, gnomAD 0.01%). This variant has not been reported in the literature in individuals affected with SPG11-related conditions. ClinVar contains an entry for this variant (Variation ID: 448465). For these reasons, this variant has been classified as Pathogenic.

Athena Diagnostics
Classification: Pathogenic. Last evaluated: 2017-03-30. Review status: criteria provided, single submitter. Criteria: Athena Diagnostics Criteria. Collection method: clinical testing. Allele origin: germline.

Literature cited by the submitters: PubMed 19105190 (cited by Labcorp Genetics (formerly Invitae), Labcorp); PubMed 20110243 (cited by Labcorp Genetics (formerly Invitae), Labcorp); PubMed 22154821 (cited by Labcorp Genetics (formerly Invitae), Labcorp); PubMed 26556829 (cited by Labcorp Genetics (formerly Invitae), Labcorp).